The following is an entry in ClinVar:

NM_001372.4(DNAH9):c.12023T>C (p.Leu4008Pro)

Gene: DNAH9 (dynein axonemal heavy chain 9; plus strand). Cytogenetic location: 17p12.
Variant type: single nucleotide variant.
Coding change: c.12023T>C on transcript NM_001372.4 (MANE Select); coding-DNA position 12023, T replaced by C.
Protein change: p.Leu4008Pro; replaces leucine 4008 with proline.
Molecular consequence: missense variant.
Genome position (GRCh38, 1-based): chr17:11,930,011, T>C. VCF-style: chr17-11930011-T-C. GRCh37 (hg19) VCF-style: chr17-11833328-T-C.
Other names: c.959T>C, p.Leu320Pro (NM_004662.2); c.12023T>C (NM_001372.3); short protein forms L4008P, L320P.
Identifiers: ClinVar variation 1499901 (VCV001499901.7), dbSNP rs528260519, ClinGen allele CA398211719.
Genomic context (GRCh38, chr17:11,930,011, plus strand): 5'-TCTTCATGAGTGCAGAGCCAGCACCCTCCCCTGAGGGCCACATCATCCCCCAGGGCATCC[T>C]GGAGAACTCCATTAAGATCACCAATGAGCCCCCCACGGGCATGCATGCCAACCTGCACAA-3'
Protein context (NP_001363.2, residues 3998-4018): PEGHIIPQGI[Leu4008Pro]ENSIKITNEP

ClinVar aggregate classification (germline): Uncertain significance. Review status: criteria provided, multiple submitters, no conflicts (2 of 4 stars). 2 submissions from 2 submitters: Uncertain significance (2). Last evaluated 2025-08-31.

Conditions:
Inborn genetic diseases. Identifiers: MedGen C0950123, MeSH D030342.

Allele frequency attached by ClinVar (database versions not stated): gnomAD exomes below 0.00001; TOPMed 0.00002.
gnomAD v4.1: 2 of 1,614,122 alleles (0.00012%); highest among the groups gnomAD compares: Admixed American, 0.0033%; no homozygotes.

Submissions (2):

Ambry Genetics
Classification: Uncertain significance for Inborn genetic diseases. Last evaluated: 2025-08-31. Review status: criteria provided, single submitter. Criteria: Ambry Variant Classification Scheme 2023. Collection method: clinical testing. Allele origin: germline.

Labcorp Genetics (formerly Invitae), Labcorp
Classification: Uncertain significance. Last evaluated: 2022-01-04. Review status: criteria provided, single submitter. Criteria: Invitae Variant Classification Sherloc (09022015). Collection method: clinical testing. Allele origin: germline.
Comment: This sequence change replaces leucine, which is neutral and non-polar, with proline, which is neutral and non-polar, at codon 4008 of the DNAH9 protein (p.Leu4008Pro). This variant is present in population databases (no rsID available, gnomAD 0.006%). This variant has not been reported in the literature in individuals affected with DNAH9-related conditions. Algorithms developed to predict the effect of missense changes on protein structure and function are either unavailable or do not agree on the potential impact of this missense change (SIFT: "Deleterious"; PolyPhen-2: "Probably Damaging"; Align-GVGD: "Class C0"). In summary, the available evidence is currently insufficient to determine the role of this variant in disease. Therefore, it has been classified as a Variant of Uncertain Significance.